The following is an entry in ClinVar:

NM_030962.4(SBF2):c.3644C>G (p.Pro1215Arg)

Gene: SBF2 (SET binding factor 2; minus strand). Cytogenetic location: 11p15.4.
Variant type: single nucleotide variant.
Coding change: c.3644C>G on transcript NM_030962.4 (MANE Select); coding-DNA position 3644, C replaced by G.
Protein change: p.Pro1215Arg; replaces proline 1215 with arginine.
Molecular consequence: missense variant.
Genome position (GRCh38, 1-based): chr11:9,832,232, G>C on the plus strand (C>G on the coding strand, the complement: SBF2 is on the minus strand). VCF-style: chr11-9832232-G-C. GRCh37 (hg19) VCF-style: chr11-9853779-G-C.
Other names: c.3644C>G, p.Pro1215Arg (NM_001386339.1); c.3515C>G, p.Pro1172Arg (NM_001386342.1); short protein forms P1215R, P1172R.
Identifiers: ClinVar variation 961464 (VCV000961464.10), dbSNP rs1855445153, ClinGen allele CA379645468.
Genomic context (GRCh38, chr11:9,832,232, plus strand): 5'-AGCACTGTCCTTATGTGAACGGGTGGTAATTGTGTTATAGAGAGATGCTTACCGGCCTGA[G>C]GGGAGTTCTGAGATTTGAAAAGACCAACGACTCCCTTCCCATGGAATCCTCCAGATCGGA-3'
Protein context (NP_112224.1, residues 1205-1225): VVGLFKSQNS[Pro1215Arg]QAAPTSSLES

ClinVar aggregate classification (germline): Uncertain significance (1 of 4 stars; one submission).

Conditions:
Charcot-Marie-Tooth disease type 4. Also called: Charcot-Marie-Tooth disease, type IV; Charcot-Marie-Tooth, Type 4. Identifiers: Orphanet 64749, MedGen C4082197, MONDO:0018995.

Submission:

Labcorp Genetics (formerly Invitae), Labcorp
Classification: Uncertain significance for Charcot-Marie-Tooth disease type 4. Last evaluated: 2019-08-06. Review status: criteria provided, single submitter. Criteria: Invitae Variant Classification Sherloc (09022015). Collection method: clinical testing. Allele origin: germline.
Comment: In summary, the available evidence is currently insufficient to determine the role of this variant in disease. Therefore, it has been classified as a Variant of Uncertain Significance. Algorithms developed to predict the effect of missense changes on protein structure and function (SIFT, PolyPhen-2, Align-GVGD) all suggest that this variant is likely to be tolerated, but these predictions have not been confirmed by published functional studies and their clinical significance is uncertain. This variant has not been reported in the literature in individuals with SBF2-related conditions. This variant is not present in population databases (ExAC no frequency). This sequence change replaces proline with arginine at codon 1215 of the SBF2 protein (p.Pro1215Arg). The proline residue is weakly conserved and there is a moderate physicochemical difference between proline and arginine.